The following is an entry in ClinVar:

ClinVar aggregate classification (germline): Pathogenic. Review status: criteria provided, multiple submitters, no conflicts (2 of 4 stars). 3 submissions from 3 submitters: Pathogenic (3). Last evaluated 2025-03-27.

Conditions:
3M syndrome 1. Also called: 3-M Syndrome, CUL7-Related. Identifiers: Orphanet 2616, MedGen C2678312, MONDO:0010117, OMIM 273750.

Allele frequency attached by ClinVar (database versions not stated): TOPMed below 0.00001; ExAC 0.00001; gnomAD 0.00001; gnomAD exomes 0.00001; ESP Exome Variant Server 0.00008.
gnomAD v4.1: 6 of 1,613,400 alleles (0.00037%); highest among the groups gnomAD compares: Non-Finnish European, 0.00051%; no homozygotes.

Submissions (3):

GeneDx
Classification: Pathogenic. Last evaluated: 2025-03-27. Review status: criteria provided, single submitter. Criteria: GeneDx Variant Classification Process June 2021. Collection method: clinical testing. Allele origin: germline. Affected: yes.
Comment: Identified with a second variant in a patient with growth retardation, dysmorphic facial features, chest deformity, motor delay, pes planus, macrocephaly, and normal intelligence in published literature (PMID: 28969986); Nonsense variant predicted to result in protein truncation or nonsense mediated decay in a gene for which loss of function is a known mechanism of disease; Not observed at significant frequency in large population cohorts (gnomAD); This variant is associated with the following publications: (PMID: 38702915, 30564305, 34006472, 28969986)

Labcorp Genetics (formerly Invitae), Labcorp
Classification: Pathogenic. Last evaluated: 2022-02-10. Review status: criteria provided, single submitter. Criteria: Invitae Variant Classification Sherloc (09022015). Collection method: clinical testing. Allele origin: germline.
Comment: For these reasons, this variant has been classified as Pathogenic. This premature translational stop signal has been observed in individuals with clinical features of 3-M syndrome (PMID: 28969986; Invitae). This variant is present in population databases (rs374105452, gnomAD 0.002%). This sequence change creates a premature translational stop signal (p.Trp1043*) in the CUL7 gene. It is expected to result in an absent or disrupted protein product. Loss-of-function variants in CUL7 are known to be pathogenic (PMID: 16142236, 17675530, 19225462).

Medical Genetics and Prenatal Diagnosis Center, Guangxi Academy of Medical Sciences and the People’s Hospital of Guangxi Zhuang Autonomous Region
Classification: Pathogenic for 3M syndrome 1. Review status: criteria provided, single submitter. Criteria: ACMG Guidelines, 2015. Collection method: clinical testing. Allele origin: paternal. Affected: yes.
Comment: NM_014780.5 (CUL7) :c.3129G>A is a nonsense mutation predicted to cause premature termination of protein synthesis. This variant creates a premature stop codon, leading to a truncated protein product and predicted loss of normal gene function (PVS1); In summary, based on the evidence presented and in accordance with the ACMG Guidelines, 2015 (PMID: 25741868), the above evidence supports this variant as Pathogenic for 3-M syndrome type 1, classified as PVS1, PM3, and PM2_Supporting.

Literature cited by the submitters: PubMed 28969986 (cited by Labcorp Genetics (formerly Invitae), Labcorp and Medical Genetics and Prenatal Diagnosis Center, Guangxi Academy of Medical Sciences and the People’s Hospital of Guangxi Zhuang Autonomous Region); PubMed 16142236 (cited by Labcorp Genetics (formerly Invitae), Labcorp); PubMed 17675530 (cited by Labcorp Genetics (formerly Invitae), Labcorp); PubMed 19225462 (cited by Labcorp Genetics (formerly Invitae), Labcorp); PubMed 30564305 (cited by Medical Genetics and Prenatal Diagnosis Center, Guangxi Academy of Medical Sciences and the People’s Hospital of Guangxi Zhuang Autonomous Region); PubMed 34006472 (cited by Medical Genetics and Prenatal Diagnosis Center, Guangxi Academy of Medical Sciences and the People’s Hospital of Guangxi Zhuang Autonomous Region).

NM_014780.5(CUL7):c.3129G>A (p.Trp1043Ter)

Gene: CUL7 (cullin 7; minus strand). Cytogenetic location: 6p21.1.
Variant type: single nucleotide variant.
Coding change: c.3129G>A on transcript NM_014780.5 (MANE Select); coding-DNA position 3129, G replaced by A.
Protein change: p.Trp1043Ter; replaces tryptophan 1043 with a stop codon.
Molecular consequence: nonsense.
Genome position (GRCh38, 1-based): chr6:43,044,795, C>T on the plus strand (G>A on the coding strand, the complement: CUL7 is on the minus strand). VCF-style: chr6-43044795-C-T. GRCh37 (hg19) VCF-style: chr6-43012533-C-T.
Other names: c.3225G>A, p.Trp1075Ter (NM_001168370.2, NM_001374872.1); c.3129G>A, p.Trp1043Ter (NM_001374873.1, NM_001374874.1); short protein forms W1043*, W1075*.
Identifiers: ClinVar variation 1012246 (VCV001012246.11), dbSNP rs374105452, ClinGen allele CA3813578.
Genomic context (GRCh38, chr6:43,044,795, plus strand): 5'-GATGTCAGGATGGTTACCAGGGGAGGTGATGTTCTGCACCACGGGGCTGACCAGGGCCTC[C>T]CAGCAGGTCTTGCCCAGAGCTTGGGCAGCCTCGTCATCAGGGAGGAAGCGGTCAGCAAAA-3'